The following is an entry in ClinVar:

ClinVar aggregate classification (germline): Uncertain significance (1 of 4 stars; one submission).

Submission:

ARUP Laboratories, Molecular Genetics and Genomics, ARUP Laboratories
Classification: Uncertain significance. Last evaluated: 2020-11-02. Review status: criteria provided, single submitter. Criteria: ARUP Molecular Germline Variant Investigation Process 2021. Collection method: clinical testing. Allele origin: germline.
Comment: The EPHB4 c.2102T>C; p.Leu701Pro variant, to our knowledge, is not reported in the medical literature or gene-specific databases. This variant is also absent from general population databases (Exome Variant Server, Genome Aggregation Database), indicating it is not a common polymorphism. The leucine at codon 701 is highly conserved and computational analyses (SIFT, PolyPhen-2) predict that this variant is deleterious. However, given the lack of clinical and functional data, the significance of the p.Leu701Pro variant is uncertain at this time.

NM_004444.5(EPHB4):c.2102T>C (p.Leu701Pro)

Gene: EPHB4 (EPH receptor B4; minus strand). Cytogenetic location: 7q22.1.
Variant type: single nucleotide variant.
Coding change: c.2102T>C on transcript NM_004444.5 (MANE Select); coding-DNA position 2102, T replaced by C.
Protein change: p.Leu701Pro; replaces leucine 701 with proline.
Molecular consequence: missense variant.
Genome position (GRCh38, 1-based): chr7:100,812,763, A>G on the plus strand (T>C on the coding strand, the complement: EPHB4 is on the minus strand). VCF-style: chr7-100812763-A-G. GRCh37 (hg19) VCF-style: chr7-100410385-A-G.
Other names: short protein forms L701P.
Identifiers: ClinVar variation 1330592 (VCV001330592.7), dbSNP rs1812966939, ClinGen allele CA368569983.